The following is an entry in ClinVar:

NM_002582.4(PARN):c.336C>A (p.Ser112Arg)

Gene: PARN (poly(A)-specific ribonuclease; minus strand). Cytogenetic location: 16p13.12.
Variant type: single nucleotide variant.
Coding change: c.336C>A on transcript NM_002582.4 (MANE Select); coding-DNA position 336, C replaced by A.
Protein change: p.Ser112Arg; replaces serine 112 with arginine.
Molecular consequence: missense variant.
Genome position (GRCh38, 1-based): chr16:14,617,642, G>T on the plus strand (C>A on the coding strand, the complement: PARN is on the minus strand). VCF-style: chr16-14617642-G-T. GRCh37 (hg19) VCF-style: chr16-14711499-G-T.
Other names: c.153C>A, p.Ser51Arg (NM_001134477.3); c.198C>A, p.Ser66Arg (NM_001242992.2); short protein forms S112R, S66R, S51R.
Identifiers: ClinVar variation 2938632 (VCV002938632.3), dbSNP rs2508495101, ClinGen allele CA394813253.

ClinVar aggregate classification (germline): Uncertain significance (1 of 4 stars; one submission).

Conditions:
Dyskeratosis congenita, autosomal recessive 6 (DKCB6). Identifiers: MedGen C4225356, MONDO:0014600, OMIM 616353.
Pulmonary fibrosis and/or bone marrow failure, Telomere-related, 4. Also called: PULMONARY FIBROSIS AND/OR BONE MARROW FAILURE SYNDROME, TELOMERE-RELATED, 4. Identifiers: Orphanet 2032, MedGen C4225347, MONDO:0014612, OMIM 616371.

Submission:

Labcorp Genetics (formerly Invitae), Labcorp
Classification: Uncertain significance for Dyskeratosis congenita, autosomal recessive 6; Pulmonary fibrosis and/or bone marrow failure, Telomere-related, 4. Last evaluated: 2023-01-07. Review status: criteria provided, single submitter. Criteria: Invitae Variant Classification Sherloc (09022015). Collection method: clinical testing. Allele origin: germline.
Comment: In summary, the available evidence is currently insufficient to determine the role of this variant in disease. Therefore, it has been classified as a Variant of Uncertain Significance. Advanced modeling of protein sequence and biophysical properties (such as structural, functional, and spatial information, amino acid conservation, physicochemical variation, residue mobility, and thermodynamic stability) performed at Invitae indicates that this missense variant is expected to disrupt PARN protein function. This variant has not been reported in the literature in individuals affected with PARN-related conditions. This variant is not present in population databases (gnomAD no frequency). This sequence change replaces serine, which is neutral and polar, with arginine, which is basic and polar, at codon 112 of the PARN protein (p.Ser112Arg).